The following is an entry in ClinVar:

NM_015374.3(SUN2):c.1135C>T (p.Arg379Trp)

Genes: GTPBP1 (GTP binding protein 1; plus strand), SUN2 (Sad1 and UNC84 domain containing 2; minus strand). Cytogenetic location: 22q13.1.
Variant type: single nucleotide variant.
Coding change: c.1135C>T on transcript NM_015374.3 (MANE Select); coding-DNA position 1135, C replaced by T.
Protein change: p.Arg379Trp; replaces arginine 379 with tryptophan.
Molecular consequence: missense variant. On other transcripts: intron variant (3).
Genome position (GRCh38, 1-based): chr22:38,741,505, G>A on the plus strand (C>T on the coding strand, the complement: SUN2 is on the minus strand). VCF-style: chr22-38741505-G-A. GRCh37 (hg19) VCF-style: chr22-39137510-G-A.
Other names: c.1198C>T, p.Arg400Trp (NM_001199579.2, NM_001394428.1); c.1135C>T, p.Arg379Trp (NM_001199580.2, NM_001394431.1, NM_001394432.1 and 5 more transcripts); c.1228C>T, p.Arg410Trp (NM_001394427.1); c.1180C>T, p.Arg394Trp (NM_001394429.1, NM_001394430.1); c.1045C>T, p.Arg349Trp (NM_001394438.1); c.997C>T, p.Arg333Trp (NM_001394439.1, NM_001394440.1, NM_001394441.1); c.643C>T, p.Arg215Trp (NM_001394443.1); c.615-1073C>T (NM_001394444.1, NM_001394445.1); and 2 more; short protein forms R333W, R394W, R215W, R400W, R410W, R349W, R379W.
Identifiers: ClinVar variation 1514109 (VCV001514109.9), dbSNP rs372953657, ClinGen allele CA10235663.

ClinVar aggregate classification (germline): Uncertain significance. Review status: criteria provided, multiple submitters, no conflicts (2 of 4 stars). 2 submissions from 2 submitters: Uncertain significance (2). Last evaluated 2025-04-20.

Conditions:
Emery-Dreifuss muscular dystrophy (EDMD). Also called: Scapuloperoneal syndrome, X-linked (formerly); Humeroperoneal neuromuscular disease, (formerly). Identifiers: Orphanet 261, MedGen C0410189, MONDO:0016830.

Allele frequency attached by ClinVar (database versions not stated): gnomAD exomes 0.00003 and 0.00004; TOPMed 0.00003; gnomAD 0.00004 and 0.00005; ExAC 0.00005; ESP Exome Variant Server 0.00008; 1000 Genomes Project 0.00020; 1000 Genomes Project 30x 0.00031.
gnomAD v4.1: 55 of 1,613,876 alleles (0.0034%); highest among the groups gnomAD compares: Admixed American, 0.01%; no homozygotes.

Submissions (2):

Ambry Genetics
Classification: Uncertain significance. Last evaluated: 2025-04-20. Review status: criteria provided, single submitter. Criteria: Ambry Variant Classification Scheme 2023. Collection method: clinical testing. Allele origin: germline.

Labcorp Genetics (formerly Invitae), Labcorp
Classification: Uncertain significance for Emery-Dreifuss muscular dystrophy. Last evaluated: 2023-12-13. Review status: criteria provided, single submitter. Criteria: Invitae Variant Classification Sherloc (09022015). Collection method: clinical testing. Allele origin: germline.
Comment: This sequence change replaces arginine, which is basic and polar, with tryptophan, which is neutral and slightly polar, at codon 379 of the SUN2 protein (p.Arg379Trp). This variant is present in population databases (rs372953657, gnomAD 0.01%). This variant has not been reported in the literature in individuals affected with SUN2-related conditions. ClinVar contains an entry for this variant (Variation ID: 1514109). An algorithm developed to predict the effect of missense changes on protein structure and function (PolyPhen-2) suggests that this variant is likely to be disruptive. In summary, the available evidence is currently insufficient to determine the role of this variant in disease. Therefore, it has been classified as a Variant of Uncertain Significance.